The following is an entry in ClinVar:

NM_182961.4(SYNE1):c.19106G>A (p.Ser6369Asn)

Gene: SYNE1 (spectrin repeat containing nuclear envelope protein 1; minus strand). Cytogenetic location: 6q25.2.
Variant type: single nucleotide variant.
Coding change: c.19106G>A on transcript NM_182961.4 (MANE Select); coding-DNA position 19106, G replaced by A.
Protein change: p.Ser6369Asn; replaces serine 6369 with asparagine.
Molecular consequence: missense variant.
Genome position (GRCh38, 1-based): chr6:152,255,745, C>T on the plus strand (G>A on the coding strand, the complement: SYNE1 is on the minus strand). VCF-style: chr6-152255745-C-T. GRCh37 (hg19) VCF-style: chr6-152576880-C-T.
Other names: c.18893G>A, p.Ser6298Asn (NM_033071.5); short protein forms S6298N, S6369N.
Identifiers: ClinVar variation 4682261 (VCV004682261.1).

ClinVar aggregate classification (germline): Uncertain significance (1 of 4 stars; one submission).

gnomAD v4.1: 2 of 1,614,096 alleles (0.00012%); highest among the groups gnomAD compares: African/African-American, 0.0027%; no homozygotes.

Submission:

Athena Diagnostics
Classification: Uncertain significance. Last evaluated: 2025-03-26. Review status: criteria provided, single submitter. Criteria: Athena Diagnostics Criteria. Collection method: clinical testing. Allele origin: unknown.
Comment: Available data are insufficient to determine the clinical significance of the variant at this time. The frequency of this variant in the general population is uninformative in assessment of its pathogenicity. Polyphen and MutationTaster predict this amino acid change may be benign.